The following is an entry in ClinVar:

NM_001267550.2(TTN):c.42152-7_42153del

Gene: TTN (titin; minus strand). Cytogenetic location: 2q31.2.
Variant type: Deletion.
Coding change: c.42152-7_42153del on transcript NM_001267550.2 (MANE Select); 7 bases into the intron before coding-DNA position 42152 through coding-DNA position 42153, 9 bases deleted (TTTTCAGAA; older notation c.42152-7_42153delTTTTCAGAA).
Molecular consequence: splice acceptor variant.
Genome position (GRCh38, 1-based): chr2:178,634,628-178,634,636, TTCTGAAAA deleted on the plus strand (TTTTCAGAA on the coding strand, the reverse complement: TTN is on the minus strand); deleting any 9 consecutive bases within chr2:178,634,628-178,634,637 gives the same sequence; the c. name uses the placement nearest the transcript's 3' end. VCF-style (leftmost placement, unchanged base first): chr2-178634627-TTTCTGAAAA-T. GRCh37 (hg19) VCF-style: chr2-179499354-TTTCTGAAAA-T.
Other names: c.14957-7_14958del (NM_003319.4); c.15533-7_15534del (NM_133437.4); c.15332-7_15333del (NM_133432.3); c.34448-7_34449del (NM_133378.4); c.37229-7_37230del (NM_001256850.1); c.42152-7_42153delTTTTCAGAA (NM_001267550.2).
Identifiers: ClinVar variation 575280 (VCV000575280.9), dbSNP rs1559975119, ClinGen allele CA891842463.
Genomic context (GRCh38, chr2:178,634,627, plus strand): 5'-GAGCCTGTCGCCTTTCTGGAACAGTGACATCCTTCAGGGGCACAGCAAAGTCAAGTTCGA[TTTCTGAAAA>T]TCAGACATTAAGAATGAGGCTTTTCAGAATGCACAGGGAAGTGAAATAAAGTTGAGACCC-3'

ClinVar aggregate classification (germline): Likely pathogenic (1 of 4 stars; one submission).

Conditions:
Dilated cardiomyopathy 1G (CMD1G). Identifiers: Orphanet 154, MedGen C1858763, MONDO:0011400, OMIM 604145.
Autosomal recessive limb-girdle muscular dystrophy type 2J (LGMDR10). Also called: Limb-girdle muscular dystrophy, type 2J; MUSCULAR DYSTROPHY, LIMB-GIRDLE, AUTOSOMAL RECESSIVE 10. Identifiers: Orphanet 140922, MedGen C1837342, MONDO:0012127, OMIM 608807.

Submission:

Labcorp Genetics (formerly Invitae), Labcorp
Classification: Likely pathogenic for Dilated cardiomyopathy 1G; Autosomal recessive limb-girdle muscular dystrophy type 2J. Last evaluated: 2025-05-04. Review status: criteria provided, single submitter. Criteria: Invitae Variant Classification Sherloc (09022015). Collection method: clinical testing. Allele origin: germline.
Comment: This variant results in the deletion of part of exon 230 (c.42152-7_42153del) of the TTN gene. It is expected to disrupt RNA splicing and likely results in a truncated or disrupted TTN protein. This variant is not present in population databases (gnomAD no frequency). This variant has not been reported in the literature in individuals affected with TTN-related conditions. ClinVar contains an entry for this variant (Variation ID: 575280). This variant is located in the I band of TTN (PMID: 25589632). Truncating variants in this region have been reported in individuals affected with autosomal recessive centronuclear myopathy (PMID: 23975875, internal data). Truncating variants in this region have also been identified in individuals affected with autosomal dominant dilated cardiomyopathy and/or cardio-related conditions (PMID: 27869827, 32964742, internal data). In summary, the currently available evidence indicates that the variant is pathogenic, but additional data are needed to prove that conclusively. Therefore, this variant has been classified as Likely Pathogenic.

Literature cited by the submitters: PubMed 25589632; PubMed 23975875; PubMed 27869827; PubMed 32964742.